The following is an entry in ClinVar:

NM_014023.4(WDR37):c.1286A>G (p.Asn429Ser)

Gene: WDR37 (WD repeat domain 37; plus strand). Cytogenetic location: 10p15.3.
Variant type: single nucleotide variant.
Coding change: c.1286A>G on transcript NM_014023.4 (MANE Select); coding-DNA position 1286, A replaced by G.
Protein change: p.Asn429Ser; replaces asparagine 429 with serine.
Molecular consequence: missense variant.
Genome position (GRCh38, 1-based): chr10:1,124,957, A>G. VCF-style: chr10-1124957-A-G. GRCh37 (hg19) VCF-style: chr10-1170897-A-G.
Other names: short protein forms N429S.
Identifiers: ClinVar variation 3572828 (VCV003572828.1).

ClinVar aggregate classification (germline): Uncertain significance (1 of 4 stars; one submission).

gnomAD v4.1: 1 of 1,614,150 alleles (0.000062%); highest among the groups gnomAD compares: African/African-American, 0.0013%; no homozygotes.

Submission:

GeneDx
Classification: Uncertain significance. Last evaluated: 2024-07-12. Review status: criteria provided, single submitter. Criteria: GeneDx Variant Classification Process June 2021. Collection method: clinical testing. Allele origin: germline. Affected: yes.
Comment: In silico analysis supports that this missense variant has a deleterious effect on protein structure/function; Has not been previously published as pathogenic or benign to our knowledge